The following is an entry in ClinVar:

ClinVar aggregate classification (germline): Pathogenic (1 of 4 stars; one submission).

Conditions:
Diamond-Blackfan anemia. Also called: Blackfan Diamond syndrome; Aregenerative anemia chronic congenital; Red cell aplasia, pure hereditary; Congenital hypoplastic anemia; Aase syndrome. Identifiers: Orphanet 124, MedGen C1260899, MeSH D029503, MONDO:0015253, HP:0004810.

Submission:

Labcorp Genetics (formerly Invitae), Labcorp
Classification: Pathogenic for Diamond-Blackfan anemia. Last evaluated: 2024-09-08. Review status: criteria provided, single submitter. Criteria: Invitae Variant Classification Sherloc (09022015). Collection method: clinical testing. Allele origin: germline.
Comment: This sequence change creates a premature translational stop signal (p.Thr177Tyrfs*8) in the RPL5 gene. It is expected to result in an absent or disrupted protein product. Loss-of-function variants in RPL5 are known to be pathogenic (PMID: 19061985, 19773262). This variant is not present in population databases (gnomAD no frequency). This variant has not been reported in the literature in individuals affected with RPL5-related conditions. Algorithms developed to predict the effect of sequence changes on RNA splicing suggest that this variant may disrupt the consensus splice site. For these reasons, this variant has been classified as Pathogenic.

Literature cited by the submitters: PubMed 19061985; PubMed 19773262.

NM_000969.5(RPL5):c.528dup (p.Thr177fs)

Genes: DIPK1A (divergent protein kinase domain 1A; minus strand), RPL5 (ribosomal protein L5; plus strand). Cytogenetic location: 1p22.1.
Variant type: Duplication.
Coding change: c.528dup on transcript NM_000969.5 (MANE Select); coding-DNA position 528, one base duplicated (T; older notation c.528dupT).
Protein change: p.Thr177fs; shifts the reading frame from threonine 177.
Molecular consequence: frameshift variant. On other transcripts: non-coding transcript variant (1), intron variant (1).
Genome position (GRCh38, 1-based): chr1:92,837,456, T duplicated. VCF-style (leftmost placement, unchanged base first): chr1-92837455-G-GT. GRCh37 (hg19) VCF-style: chr1-93303012-G-GT.
Other names: c.475-4422dup (NM_001252273.2); short protein forms T177fs.
Identifiers: ClinVar variation 3666892 (VCV003666892.2).